The following is an entry in ClinVar:

NM_000186.4(CFH):c.272C>G (p.Thr91Ser)

Gene: CFH (complement factor H; plus strand). Cytogenetic location: 1q31.3.
Variant type: single nucleotide variant.
Coding change: c.272C>G on transcript NM_000186.4 (MANE Select); coding-DNA position 272, C replaced by G.
Protein change: p.Thr91Ser; replaces threonine 91 with serine.
Molecular consequence: missense variant.
Genome position (GRCh38, 1-based): chr1:196,673,884, C>G. VCF-style: chr1-196673884-C-G. GRCh37 (hg19) VCF-style: chr1-196643014-C-G.
Other names: c.272C>G, p.Thr91Ser (NM_001014975.3); short protein forms T91S.
Identifiers: ClinVar variation 2202897 (VCV002202897.6), dbSNP rs771527214, ClinGen allele CA1305000.

ClinVar aggregate classification (germline): Uncertain significance. Review status: criteria provided, multiple submitters, no conflicts (2 of 4 stars). 3 submissions from 3 submitters: Uncertain significance (3). Last evaluated 2025-10-02.

Conditions:
Age related macular degeneration 4. Identifiers: MedGen C1853147, MONDO:0012540, OMIM 610698.
Basal laminar drusen. Also called: DRUSEN OF BRUCH MEMBRANE; DRUSEN, CUTICULAR; DRUSEN, EARLY ADULT-ONSET, GROUPED. Identifiers: Orphanet 75376, MedGen C0730295, MONDO:0007472, OMIM 126700.
Hemolytic uremic syndrome, atypical, susceptibility to, 1. Also called: AHUS, SUSCEPTIBILITY TO, 1. Identifiers: Orphanet 2134, Orphanet 90038, MedGen C2749604, MONDO:0009335, OMIM 235400. Disease mechanism: Other.
Factor H deficiency (CFHD). Also called: COMPLEMENT FACTOR H DEFICIENCY; CFH DEFICIENCY. Identifiers: Orphanet 200421, MedGen C0398777, MONDO:0012350, OMIM 609814.

Allele frequency attached by ClinVar (database versions not stated): gnomAD exomes 0.00001; ExAC 0.00002; TOPMed 0.00002.
gnomAD v4.1: 22 of 1,613,092 alleles (0.0014%); highest among the groups gnomAD compares: Non-Finnish European, 0.0018%; no homozygotes.

Submissions (3):

Genomenon, Inc
Classification: Uncertain significance for Age related macular degeneration 4. Last evaluated: 2025-10-02. Review status: criteria provided, single submitter. Criteria: Genomenon Sequence Variant Interpretation Standards - Updated. Collection method: curation. Allele origin: germline. Affected: yes.
Comment: CFH p.Thr91Ser (c.272C>G) is a missense variant that changes the amino acid at residue 91 from Threonine to Serine. This variant has been observed in at least one proband affected with age-related macular degeneration (PMID:26501415). Functional studies have been reported (PMID:36643920;34189567). It is absent or not present at a significant frequency in gnomAD. In silico models agree that this variant is not damaging. In conclusion, we classify CFH p.Thr91Ser (c.272C>G) as a variant of uncertain significance.

Labcorp Genetics (formerly Invitae), Labcorp
Classification: Uncertain significance. Last evaluated: 2025-01-23. Review status: criteria provided, single submitter. Criteria: Invitae Variant Classification Sherloc (09022015). Collection method: clinical testing. Allele origin: germline.
Comment: This sequence change replaces threonine, which is neutral and polar, with serine, which is neutral and polar, at codon 91 of the CFH protein (p.Thr91Ser). This variant is present in population databases (rs771527214, gnomAD 0.002%). This missense change has been observed in individual(s) with age-related macular degeneration (PMID: 26501415, 29686068). ClinVar contains an entry for this variant (Variation ID: 2202897). An algorithm developed to predict the effect of missense changes on protein structure and function (PolyPhen-2) suggests that this variant is likely to be disruptive. Experimental studies have shown that this missense change does not substantially affect CFH function (PMID: 34189567). In summary, the available evidence is currently insufficient to determine the role of this variant in disease. Therefore, it has been classified as a Variant of Uncertain Significance.

Fulgent Genetics
Classification: Uncertain significance for Basal laminar drusen; Hemolytic uremic syndrome, atypical, susceptibility to, 1; Factor H deficiency; Age related macular degeneration 4. Last evaluated: 2024-01-05. Review status: criteria provided, single submitter. Criteria: ACMG Guidelines, 2015. Collection method: clinical testing. Allele origin: germline.

Literature cited by the submitters: PubMed 26501415 (cited by Genomenon, Inc and Labcorp Genetics (formerly Invitae), Labcorp); PubMed 36643920 (cited by Genomenon, Inc); PubMed 34189567 (cited by Genomenon, Inc and Labcorp Genetics (formerly Invitae), Labcorp); PubMed 29686068 (cited by Labcorp Genetics (formerly Invitae), Labcorp).